The following is an entry in ClinVar:

ClinVar aggregate classification (germline): Uncertain significance (1 of 4 stars; one submission).

Conditions:
Cardiovascular phenotype. Identifiers: MedGen CN230736.

Submission:

Ambry Genetics
Classification: Uncertain significance for Cardiovascular phenotype. Last evaluated: 2023-05-06. Review status: criteria provided, single submitter. Criteria: Ambry Variant Classification Scheme 2023. Collection method: clinical testing. Allele origin: germline.
Comment: The p.V128M variant (also known as c.382G>A), located in coding exon 2 of the JUP gene, results from a G to A substitution at nucleotide position 382. The valine at codon 128 is replaced by methionine, an amino acid with highly similar properties. This amino acid position is conserved. In addition, this alteration is predicted to be tolerated by in silico analysis. Since supporting evidence is limited at this time, the clinical significance of this alteration remains unclear.

NM_002230.4(JUP):c.382G>A (p.Val128Met)

Gene: JUP (junction plakoglobin; minus strand). Cytogenetic location: 17q21.2.
Variant type: single nucleotide variant.
Coding change: c.382G>A on transcript NM_002230.4 (MANE Select); coding-DNA position 382, G replaced by A.
Protein change: p.Val128Met; replaces valine 128 with methionine.
Molecular consequence: missense variant.
Genome position (GRCh38, 1-based): chr17:41,769,504, C>T on the plus strand (G>A on the coding strand, the complement: JUP is on the minus strand). VCF-style: chr17-41769504-C-T. GRCh37 (hg19) VCF-style: chr17-39925756-C-T.
Other names: c.382G>A, p.Val128Met (NM_001352773.2, NM_001352774.2, NM_001352775.2 and 3 more transcripts); short protein forms V128M.
Identifiers: ClinVar variation 2563207 (VCV002563207.2), dbSNP rs2544191524, ClinGen allele CA399505169.